The following is an entry in ClinVar:

NM_000264.5(PTCH1):c.3027C>A (p.Tyr1009Ter)

Gene: PTCH1 (patched 1; minus strand). Cytogenetic location: 9q22.32.
Variant type: single nucleotide variant.
Coding change: c.3027C>A on transcript NM_000264.5 (MANE Select); coding-DNA position 3027, C replaced by A.
Protein change: p.Tyr1009Ter; replaces tyrosine 1009 with a stop codon.
Molecular consequence: nonsense. On other transcripts: non-coding transcript variant (1).
Genome position (GRCh38, 1-based): chr9:95,458,154, G>T on the plus strand (C>A on the coding strand, the complement: PTCH1 is on the minus strand). VCF-style: chr9-95458154-G-T. GRCh37 (hg19) VCF-style: chr9-98220436-G-T.
Other names: c.2829C>A, p.Tyr943Ter (NM_001083602.3); c.3024C>A, p.Tyr1008Ter (NM_001083603.3); c.2574C>A, p.Tyr858Ter (NM_001083604.3, NM_001083605.3, NM_001083606.3 and 1 more transcripts); c.2871C>A, p.Tyr957Ter (NM_001354918.2); short protein forms Y1009*, Y943*, Y1008*, Y957*, Y858*.
Identifiers: ClinVar variation 428821 (VCV000428821.10), dbSNP rs747234651, ClinGen allele CA374112550.

ClinVar aggregate classification (germline): Pathogenic. Review status: criteria provided, multiple submitters, no conflicts (2 of 4 stars). 2 submissions from 2 submitters: Pathogenic (2). Last evaluated 2021-11-17.

Conditions:
Gorlin syndrome. Also called: Nevoid Basal Cell Carcinoma Syndrome; Basal cell nevus syndrome. Identifiers: Orphanet 377, MedGen C0004779, MONDO:0007187.
Hereditary cancer-predisposing syndrome. Also called: Hereditary neoplastic syndrome; Tumor predisposition; Neoplastic Syndromes, Hereditary; Hereditary Cancer Syndrome. Identifiers: Orphanet 140162, MedGen C0027672, MeSH D009386, MONDO:0015356.

Submissions (2):

Labcorp Genetics (formerly Invitae), Labcorp
Classification: Pathogenic for Gorlin syndrome. Last evaluated: 2021-11-17. Review status: criteria provided, single submitter. Criteria: Invitae Variant Classification Sherloc (09022015). Collection method: clinical testing. Allele origin: germline.
Comment: This sequence change creates a premature translational stop signal (p.Tyr1009*) in the PTCH1 gene. It is expected to result in an absent or disrupted protein product. Loss-of-function variants in PTCH1 are known to be pathogenic (PMID: 16301862, 16419085). ClinVar contains an entry for this variant (Variation ID: 428821). This premature translational stop signal has been observed in individual(s) with basal cell nevus syndrome (PMID: 8981943, 29575684). This variant is not present in population databases (gnomAD no frequency). For these reasons, this variant has been classified as Pathogenic.

Ambry Genetics
Classification: Pathogenic for Hereditary cancer-predisposing syndrome. Last evaluated: 2013-12-20. Review status: criteria provided, single submitter. Criteria: Ambry Autosomal Dominant and X-Linked criteria (10/2015). Collection method: clinical testing. Allele origin: germline. Observed: 1 variant allele.
Comment: Ã¢â‚¬â€¹The p.Y1009X pathogenic mutation (also known as c.3027C>A), located in coding exon 18 of the PTCH1 gene, results from a C to A substitution at nucleotide position 3027. This changes the amino acid from a tyrosine to a stop codon within coding exon 18. This mutation was identified in an individual diagnosed with nevoid basal cell carcinoma syndrome (Wicking, C et al. Am J Hum Genet. 1997 Jan;60(1):21-6). In addition to the clinical data presented in the literature, since premature stop codons are typically deleterious in nature, this alteration is interpreted as a disease-causing mutation (ACMG Recommendations for Standards for Interpretation and Reporting of Sequence Variations. Revision 2007. Genet Med. 2008;10:294). This mutation is also called C3015A in published literature.

Literature cited by the submitters: PubMed 16301862 (cited by Labcorp Genetics (formerly Invitae), Labcorp); PubMed 16419085 (cited by Labcorp Genetics (formerly Invitae), Labcorp); PubMed 8981943 (cited by Labcorp Genetics (formerly Invitae), Labcorp); PubMed 29575684 (cited by Labcorp Genetics (formerly Invitae), Labcorp).